The following is an entry in ClinVar:

NM_001792.5(CDH2):c.654G>C (p.Gln218His)

Gene: CDH2 (cadherin 2; minus strand). Cytogenetic location: 18q12.1.
Variant type: single nucleotide variant.
Coding change: c.654G>C on transcript NM_001792.5 (MANE Select); coding-DNA position 654, G replaced by C.
Protein change: p.Gln218His; replaces glutamine 218 with histidine.
Molecular consequence: missense variant.
Genome position (GRCh38, 1-based): chr18:28,009,765, C>G on the plus strand (G>C on the coding strand, the complement: CDH2 is on the minus strand). VCF-style: chr18-28009765-C-G. GRCh37 (hg19) VCF-style: chr18-25589729-C-G.
Other names: c.561G>C, p.Gln187His (NM_001308176.2); short protein forms Q187H, Q218H.
Identifiers: ClinVar variation 3612429 (VCV003612429.3).

ClinVar aggregate classification (germline): Uncertain significance. Review status: criteria provided, multiple submitters, no conflicts (2 of 4 stars). 2 submissions from 2 submitters: Uncertain significance (2). Last evaluated 2024-11-24.

gnomAD v4.1: 29 of 1,614,012 alleles (0.0018%); highest among the groups gnomAD compares: Non-Finnish European, 0.0023%; no homozygotes.

Submissions (2):

Labcorp Genetics (formerly Invitae), Labcorp
Classification: Uncertain significance. Last evaluated: 2024-11-24. Review status: criteria provided, single submitter. Criteria: Invitae Variant Classification Sherloc (09022015). Collection method: clinical testing. Allele origin: germline.
Comment: This sequence change replaces glutamine, which is neutral and polar, with histidine, which is basic and polar, at codon 218 of the CDH2 protein (p.Gln218His). This variant is not present in population databases (gnomAD no frequency). This variant has not been reported in the literature in individuals affected with CDH2-related conditions. An algorithm developed to predict the effect of missense changes on protein structure and function (PolyPhen-2) suggests that this variant is likely to be disruptive. In summary, the available evidence is currently insufficient to determine the role of this variant in disease. Therefore, it has been classified as a Variant of Uncertain Significance.

Blueprint Genetics
Classification: Uncertain significance. Last evaluated: 2022-06-23. Review status: criteria provided, single submitter. Criteria: ACMG Guidelines, 2015. Collection method: clinical testing. Allele origin: germline.